The following is an entry in ClinVar:

NM_001379286.1(ZNF423):c.1442A>C (p.Gln481Pro)

Gene: ZNF423 (zinc finger protein 423; minus strand). Cytogenetic location: 16q12.1.
Variant type: single nucleotide variant.
Coding change: c.1442A>C on transcript NM_001379286.1 (MANE Select); coding-DNA position 1442, A replaced by C.
Protein change: p.Gln481Pro; replaces glutamine 481 with proline.
Molecular consequence: missense variant.
Genome position (GRCh38, 1-based): chr16:49,637,734, T>G on the plus strand (A>C on the coding strand, the complement: ZNF423 is on the minus strand). VCF-style: chr16-49637734-T-G. GRCh37 (hg19) VCF-style: chr16-49671645-T-G.
Other names: c.1238A>C, p.Gln413Pro (NM_001271620.2); c.1067A>C, p.Gln356Pro (NM_001330533.2); c.1418A>C, p.Gln473Pro (NM_015069.5); short protein forms Q413P, Q481P, Q356P, Q473P.
Identifiers: ClinVar variation 1418849 (VCV001418849.6), dbSNP rs190632028, ClinGen allele CA8046680.
Genomic context (GRCh38, chr16:49,637,734, plus strand): 5'-TTGATGTCGGCGAACATCTCGGGGCAGTAGTTGCAGTGGAAGGCAGAGATGTTGCCAAAC[T>G]GCATCACAGGGTAGGCATGGTTCTTGTGCAGCTTGCGAACGTGCTCGTTGAGGTTGTAGA-3'
Protein context (NP_001366215.1, residues 471-491): LHKNHAYPVM[Gln481Pro]FGNISAFHCN

ClinVar aggregate classification (germline): Uncertain significance (1 of 4 stars; one submission).

Conditions:
Nephronophthisis 14 (NPHP14). Identifiers: Orphanet 2318, MedGen C3539071, MONDO:0013916, OMIM 614844.

Allele frequency attached by ClinVar (database versions not stated): gnomAD 0.00001; gnomAD exomes 0.00001 and 0.00002; TOPMed 0.00001; ExAC 0.00002; 1000 Genomes Project 30x 0.00016; 1000 Genomes Project 0.00020.
gnomAD v4.1: 30 of 1,614,170 alleles (0.0019%); highest among the groups gnomAD compares: Non-Finnish European, 0.0025%; no homozygotes.

Submission:

Labcorp Genetics (formerly Invitae), Labcorp
Classification: Uncertain significance for Nephronophthisis 14. Last evaluated: 2021-04-10. Review status: criteria provided, single submitter. Criteria: Invitae Variant Classification Sherloc (09022015). Collection method: clinical testing. Allele origin: germline.
Comment: In summary, the available evidence is currently insufficient to determine the role of this variant in disease. Therefore, it has been classified as a Variant of Uncertain Significance. Algorithms developed to predict the effect of missense changes on protein structure and function output the following: SIFT: "Deleterious"; PolyPhen-2: "Benign"; Align-GVGD: "Class C0". The proline amino acid residue is found in multiple mammalian species, suggesting that this missense change does not adversely affect protein function. These predictions have not been confirmed by published functional studies and their clinical significance is uncertain. This variant has not been reported in the literature in individuals with ZNF423-related conditions. This variant is present in population databases (rs190632028, ExAC 0.004%). This sequence change replaces glutamine with proline at codon 473 of the ZNF423 protein (p.Gln473Pro). The glutamine residue is highly conserved and there is a moderate physicochemical difference between glutamine and proline.